The following is an entry in ClinVar:

ClinVar aggregate classification (germline): Uncertain significance (1 of 4 stars; one submission).

Conditions:
Nephronophthisis. Also called: Juvenile Nephronophthisis. Identifiers: Orphanet 655, MedGen C0687120, MONDO:0019005, HP:0000090.

Submission:

Labcorp Genetics (formerly Invitae), Labcorp
Classification: Uncertain significance for Nephronophthisis. Last evaluated: 2020-06-23. Review status: criteria provided, single submitter. Criteria: Invitae Variant Classification Sherloc (09022015). Collection method: clinical testing. Allele origin: germline.
Comment: In summary, the available evidence is currently insufficient to determine the role of this variant in disease. Therefore, it has been classified as a Variant of Uncertain Significance. Experimental studies and prediction algorithms are not available or were not evaluated, and the functional significance of this variant is currently unknown. This variant has not been reported in the literature in individuals with INVS-related conditions. This variant is not present in population databases (ExAC no frequency). This variant, c.2679_2681del, results in the deletion of 1 amino acid(s) of the INVS protein (p.Leu894del), but otherwise preserves the integrity of the reading frame.

NM_014425.5(INVS):c.2679_2681del (p.Leu894del)

Gene: INVS (inversin; plus strand). Cytogenetic location: 9q31.1.
Variant type: Deletion.
Coding change: c.2679_2681del on transcript NM_014425.5 (MANE Select); coding-DNA positions 2679 to 2681, 3 bases deleted (TCT; older notation c.2679_2681delTCT).
Protein change: p.Leu894del; deletes leucine 894.
Molecular consequence: inframe deletion. On other transcripts: non-coding transcript variant (1).
Genome position (GRCh38, 1-based): chr9:100,292,936-100,292,938, TCT deleted; deleting any 3 consecutive bases within chr9:100,292,934-100,292,938 gives the same sequence; the c. name uses the placement nearest the transcript's 3' end. VCF-style (leftmost placement, unchanged base first): chr9-100292933-CCTT-C. GRCh37 (hg19) VCF-style: chr9-103055215-CCTT-C.
Other names: c.2391_2393del, p.Leu798del (NM_001318381.2); c.1701_1703del, p.Leu568del (NM_001318382.2); short protein forms L894del, L568del, L798del.
Identifiers: ClinVar variation 1034488 (VCV001034488.8), dbSNP rs1833672293, ClinGen allele CA1867729868.
Genomic context (GRCh38, chr9:100,292,933, plus strand): 5'-GGTATCTAAGGAGACTGATCCAGCACCTGGTCCCCTCTCTGGGCAGAGTGTGAATATTGA[CCTT>C]CTCCCCGTAGAGCTCCGACTGCAGATAATTCAGAGAGAACGAAGGAGGAAGGAGCTGTTT-3'